The following is an entry in ClinVar:

NM_000038.6(APC):c.645+574A>T

Gene: APC (APC regulator of WNT signaling pathway; plus strand). Cytogenetic location: 5q22.2.
Variant type: single nucleotide variant.
Coding change: c.645+574A>T on transcript NM_000038.6 (MANE Select); 574 bases into the intron after coding-DNA position 645, A replaced by T.
Molecular consequence: intron variant.
Genome position (GRCh38, 1-based): chr5:112,781,477, A>T. VCF-style: chr5-112781477-A-T. GRCh37 (hg19) VCF-style: chr5-112117174-A-T.
Other names: c.645+574A>T (NM_001354895.2, NM_001127510.3, NM_001354896.2 and 2 more transcripts); c.675+574A>T (NM_001354897.2, NM_001354902.2, NM_001127511.3); c.570+574A>T (NM_001354898.2, NM_001354904.2); c.-391+574A>T (NM_001354906.2); c.468+574A>T (NM_001354900.2, NM_001354901.2, NM_001354905.2).
Identifiers: ClinVar variation 82942 (VCV000082942.2), dbSNP rs75670678, ClinGen allele CA011612.

ClinVar aggregate classification (germline): other (0 of 4 stars; one submission).

Conditions:
Familial colorectal cancer. Identifiers: MedGen CN280943, MONDO:0023113. Disease mechanism: loss of function.

Submission:

Systems Biology Platform Zhejiang California International NanoSystems Institute
Classification: other for Familial colorectal cancer. Review status: no assertion criteria provided. Collection method: not provided. Allele origin: unknown.
ClinVar note: Converted during submission from cancer to other.